The following is an entry in ClinVar:

ClinVar aggregate classification (germline): Uncertain significance. Review status: criteria provided, multiple submitters, no conflicts (2 of 4 stars). 4 submissions from 4 submitters: Uncertain significance (4). Last evaluated 2026-05-13.

Conditions:
Leukodystrophy, hypomyelinating, 27 (HLD27). Identifiers: MedGen C5882743, MONDO:0958018, OMIM 620675.
Acrofacial dysostosis Cincinnati type. Identifiers: Orphanet 1200, MedGen C4225317, MONDO:0014651, OMIM 616462.
Inborn genetic diseases. Identifiers: MedGen C0950123, MeSH D030342.

Allele frequency attached by ClinVar (database versions not stated): gnomAD 0.00010; ExAC 0.00027; gnomAD exomes 0.00024; ESP Exome Variant Server 0.00008.
gnomAD v4.1: 359 of 1,614,022 alleles (0.022%); highest among the groups gnomAD compares: Non-Finnish European, 0.029%; no homozygotes.

Submissions (4):

Women's Health and Genetics/Laboratory Corporation of America, LabCorp
Classification: Uncertain significance. Last evaluated: 2026-05-13. Review status: criteria provided, single submitter. Criteria: LabCorp Variant Classification Summary - May 2015. Collection method: clinical testing. Allele origin: germline.
Comment: Variant summary: POLR1A c.1031T>C (p.Leu344Ser) results in a non-conservative amino acid change in the encoded protein sequence. Algorithms developed to predict the effect of missense changes on protein structure and function are either unavailable or do not agree on the potential impact of this missense change. The variant allele was found at a frequency of 0.00017 in 249466 control chromosomes. The observed variant frequency exceeds the estimated maximal expected allele frequency for disease-causing variants in POLR1A. To our knowledge, no occurrence of c.1031T>C in individuals affected with POLR1A-related conditions and no experimental evidence demonstrating its impact on protein function have been reported. ClinVar contains an entry for this variant (Variation ID: 2198814). Based on the evidence outlined above, the variant was classified as uncertain significance.

Labcorp Genetics (formerly Invitae), Labcorp
Classification: Uncertain significance. Last evaluated: 2025-04-14. Review status: criteria provided, single submitter. Criteria: Invitae Variant Classification Sherloc (09022015). Collection method: clinical testing. Allele origin: germline.
Comment: This sequence change replaces leucine, which is neutral and non-polar, with serine, which is neutral and polar, at codon 344 of the POLR1A protein (p.Leu344Ser). This variant is present in population databases (rs199847119, gnomAD 0.04%). This variant has not been reported in the literature in individuals affected with POLR1A-related conditions. ClinVar contains an entry for this variant (Variation ID: 2198814). Invitae Evidence Modeling of protein sequence and biophysical properties (such as structural, functional, and spatial information, amino acid conservation, physicochemical variation, residue mobility, and thermodynamic stability) indicates that this missense variant is not expected to disrupt POLR1A protein function with a negative predictive value of 80%. In summary, the available evidence is currently insufficient to determine the role of this variant in disease. Therefore, it has been classified as a Variant of Uncertain Significance.

Ambry Genetics
Classification: Uncertain significance for Inborn genetic diseases. Last evaluated: 2025-04-09. Review status: criteria provided, single submitter. Criteria: Ambry Variant Classification Scheme 2023. Collection method: clinical testing. Allele origin: germline.

Department of Pathology and Laboratory Medicine, Sinai Health System
Classification: Uncertain significance for Acrofacial dysostosis Cincinnati type; Leukodystrophy, hypomyelinating, 27. Last evaluated: 2021-07-30. Review status: criteria provided, single submitter. Criteria: ACMG Guidelines, 2015. Collection method: research. Allele origin: germline.

NM_015425.6(POLR1A):c.1031T>C (p.Leu344Ser)

Gene: POLR1A (RNA polymerase I subunit A; minus strand). Cytogenetic location: 2p11.2.
Variant type: single nucleotide variant.
Coding change: c.1031T>C on transcript NM_015425.6 (MANE Select); coding-DNA position 1031, T replaced by C.
Protein change: p.Leu344Ser; replaces leucine 344 with serine.
Molecular consequence: missense variant.
Genome position (GRCh38, 1-based): chr2:86,080,871, A>G on the plus strand (T>C on the coding strand, the complement: POLR1A is on the minus strand). VCF-style: chr2-86080871-A-G. GRCh37 (hg19) VCF-style: chr2-86307994-A-G.
Other names: c.1031T>C (NM_015425.3); short protein forms L344S.
Identifiers: ClinVar variation 2198814 (VCV002198814.9), dbSNP rs199847119, ClinGen allele CA1746459.